The following is an entry in ClinVar:

NM_006885.4(ZFHX3):c.4384C>T (p.Gln1462Ter)

Genes: ZFHX3 (zinc finger homeobox 3; minus strand), ZFHX3-AS1 (ZFHX3 antisense RNA 1; plus strand). Cytogenetic location: 16q22.2.
Variant type: single nucleotide variant.
Coding change: c.4384C>T on transcript NM_006885.4 (MANE Select); coding-DNA position 4384, C replaced by T.
Protein change: p.Gln1462Ter; replaces glutamine 1462 with a stop codon.
Molecular consequence: nonsense.
Genome position (GRCh38, 1-based): chr16:72,798,298, G>A on the plus strand (C>T on the coding strand, the complement: ZFHX3 is on the minus strand). VCF-style: chr16-72798298-G-A. GRCh37 (hg19) VCF-style: chr16-72832197-G-A.
Other names: c.1642C>T, p.Gln548Ter (NM_001164766.2); c.4384C>T, p.Gln1462Ter (NM_001386735.1); short protein forms Q1462*, Q548*.
Identifiers: ClinVar variation 3360830 (VCV003360830.1).

ClinVar aggregate classification (germline): Uncertain significance (1 of 4 stars; one submission).

Submission:

GeneDx
Classification: Uncertain significance. Last evaluated: 2023-07-05. Review status: criteria provided, single submitter. Criteria: GeneDx Variant Classification Process June 2021. Collection method: clinical testing. Allele origin: germline. Affected: yes.
Comment: Not observed at significant frequency in large population cohorts (gnomAD); Nonsense variant predicted to result in protein truncation or nonsense mediated decay in a gene or region of a gene for which loss of function is not a well-established mechanism of disease; Has not been previously published as pathogenic or benign to our knowledge; Variants in candidate genes are classified as variants of uncertain significance in accordance with ACMG guidelines (Richards et al., 2015)